The following is an entry in ClinVar:

NM_003410.4(ZFX):c.20A>C (p.Glu7Ala)

Gene: ZFX (zinc finger protein X-linked; plus strand). Cytogenetic location: Xp22.11.
Variant type: single nucleotide variant.
Coding change: c.20A>C on transcript NM_003410.4 (MANE Select); coding-DNA position 20, A replaced by C.
Protein change: p.Glu7Ala; replaces glutamic acid 7 with alanine.
Molecular consequence: missense variant. On other transcripts: intron variant (1).
Genome position (GRCh38, 1-based): chrX:24,172,762, A>C. VCF-style: chrX-24172762-A-C. GRCh37 (hg19) VCF-style: chrX-24190879-A-C.
Other names: c.20A>C, p.Glu7Ala (NM_001178084.2, NM_001178085.1, NM_001178095.2 and 1 more transcripts); c.-42+22968A>C (NM_001178086.2); short protein forms E7A.
Identifiers: ClinVar variation 4088214 (VCV004088214.1).

ClinVar aggregate classification (germline): Uncertain significance (1 of 4 stars; one submission).

Submission:

GeneDx
Classification: Uncertain significance. Last evaluated: 2025-03-16. Review status: criteria provided, single submitter. Criteria: GeneDx Variant Classification Process June 2021. Collection method: clinical testing. Allele origin: germline. Affected: yes.
Comment: Not observed at significant frequency in large population cohorts (gnomAD); In silico analysis supports that this missense variant has a deleterious effect on protein structure/function; Has not been previously published as pathogenic or benign to our knowledge